The following is an entry in ClinVar:

ClinVar aggregate classification (germline): Uncertain significance (1 of 4 stars; one submission).

Allele frequency attached by ClinVar (database versions not stated): gnomAD exomes below 0.00001; ExAC 0.00001; TOPMed 0.00002.
gnomAD v4.1: 4 of 1,614,144 alleles (0.00025%); highest among the groups gnomAD compares: South Asian, 0.0022%; no homozygotes.

Submission:

GeneDx
Classification: Uncertain significance. Last evaluated: 2019-07-15. Review status: criteria provided, single submitter. Criteria: GeneDx Variant Classification Process June 2021. Collection method: clinical testing. Allele origin: germline. Affected: yes.
Comment: In silico analysis, which includes protein predictors and evolutionary conservation, supports a deleterious effect; Has not been previously published as pathogenic or benign to our knowledge

NM_016529.6(ATP8A2):c.2458G>A (p.Gly820Arg)

Gene: ATP8A2 (ATPase phospholipid transporting 8A2). Cytogenetic location: 13q12.13.
Variant type: single nucleotide variant.
Coding change: c.2458G>A on transcript NM_016529.6 (MANE Select); coding-DNA position 2458, G replaced by A.
Protein change: p.Gly820Arg; replaces glycine 820 with arginine.
Molecular consequence: missense variant.
Genome position (GRCh38, 1-based): chr13:25,769,119, G>A. VCF-style: chr13-25769119-G-A. GRCh37 (hg19) VCF-style: chr13-26343257-G-A.
Other names: c.2338G>A, p.Gly780Arg (NM_001313741.1); short protein forms G780R, G820R.
Identifiers: ClinVar variation 1303923 (VCV001303923.2), dbSNP rs770965512, ClinGen allele CA6923338.